The following is an entry in ClinVar:

ClinVar aggregate classification (germline): Uncertain significance (1 of 4 stars; one submission).

Allele frequency attached by ClinVar (database versions not stated): TOPMed below 0.00001.
gnomAD v4.1: 1 of 1,579,198 alleles (0.000063%); highest among the groups gnomAD compares: East Asian, 0.0022%; no homozygotes.

Submission:

Labcorp Genetics (formerly Invitae), Labcorp
Classification: Uncertain significance. Last evaluated: 2022-10-31. Review status: criteria provided, single submitter. Criteria: Invitae Variant Classification Sherloc (09022015). Collection method: clinical testing. Allele origin: germline.
Comment: This sequence change replaces leucine, which is neutral and non-polar, with valine, which is neutral and non-polar, at codon 117 of the SLC12A6 protein (p.Leu117Val). This variant is present in population databases (no rsID available, gnomAD 0.006%). This variant has not been reported in the literature in individuals affected with SLC12A6-related conditions. Advanced modeling of protein sequence and biophysical properties (such as structural, functional, and spatial information, amino acid conservation, physicochemical variation, residue mobility, and thermodynamic stability) performed at Invitae indicates that this missense variant is not expected to disrupt SLC12A6 protein function. In summary, the available evidence is currently insufficient to determine the role of this variant in disease. Therefore, it has been classified as a Variant of Uncertain Significance.

NM_001365088.1(SLC12A6):c.349C>G (p.Leu117Val)

Gene: SLC12A6 (solute carrier family 12 member 6; minus strand). Cytogenetic location: 15q14.
Variant type: single nucleotide variant.
Coding change: c.349C>G on transcript NM_001365088.1 (MANE Select); coding-DNA position 349, C replaced by G.
Protein change: p.Leu117Val; replaces leucine 117 with valine.
Molecular consequence: missense variant.
Genome position (GRCh38, 1-based): chr15:34,260,988, G>C on the plus strand (C>G on the coding strand, the complement: SLC12A6 is on the minus strand). VCF-style: chr15-34260988-G-C. GRCh37 (hg19) VCF-style: chr15-34553189-G-C.
Other names: c.172C>G, p.Leu58Val (NM_001042494.2, NM_001042495.2); c.322C>G, p.Leu108Val (NM_001042496.2); c.304C>G, p.Leu102Val (NM_001042497.2); c.196C>G, p.Leu66Val (NM_005135.2); c.349C>G, p.Leu117Val (NM_133647.2); short protein forms L102V, L66V, L117V, L108V, L58V.
Identifiers: ClinVar variation 2141138 (VCV002141138.1), dbSNP rs1319202995, ClinGen allele CA391614709.